The following is an entry in ClinVar:

ClinVar aggregate classification (germline): Uncertain significance (1 of 4 stars; one submission).

gnomAD v4.1: 33 of 1,612,158 alleles (0.002%); highest among the groups gnomAD compares: East Asian, 0.0067%; no homozygotes.

Submission:

Labcorp Genetics (formerly Invitae), Labcorp
Classification: Uncertain significance. Last evaluated: 2024-11-30. Review status: criteria provided, single submitter. Criteria: Invitae Variant Classification Sherloc (09022015). Collection method: clinical testing. Allele origin: germline.
Comment: This sequence change replaces valine, which is neutral and non-polar, with methionine, which is neutral and non-polar, at codon 702 of the ACAN protein (p.Val702Met). This variant is present in population databases (rs370096577, gnomAD 0.007%). This variant has not been reported in the literature in individuals affected with ACAN-related conditions. Invitae Evidence Modeling of protein sequence and biophysical properties (such as structural, functional, and spatial information, amino acid conservation, physicochemical variation, residue mobility, and thermodynamic stability) indicates that this missense variant is not expected to disrupt ACAN protein function with a negative predictive value of 80%. In summary, the available evidence is currently insufficient to determine the role of this variant in disease. Therefore, it has been classified as a Variant of Uncertain Significance.

NM_001369268.1(ACAN):c.2104G>A (p.Val702Met)

Gene: ACAN (aggrecan; plus strand). Cytogenetic location: 15q26.1.
Variant type: single nucleotide variant.
Coding change: c.2104G>A on transcript NM_001369268.1 (MANE Select); coding-DNA position 2104, G replaced by A.
Protein change: p.Val702Met; replaces valine 702 with methionine.
Molecular consequence: missense variant.
Genome position (GRCh38, 1-based): chr15:88,851,871, G>A. VCF-style: chr15-88851871-G-A. GRCh37 (hg19) VCF-style: chr15-89395102-G-A.
Other names: c.2104G>A, p.Val702Met (NM_001135.4, NM_001411096.1, NM_001411097.1 and 1 more transcripts); short protein forms V702M.
Identifiers: ClinVar variation 3611944 (VCV003611944.2).